The following is an entry in ClinVar:

NM_000883.4(IMPDH1):c.195A>G (p.Leu65=)

Gene: IMPDH1 (inosine monophosphate dehydrogenase 1; minus strand). Cytogenetic location: 7q32.1.
Variant type: single nucleotide variant.
Coding change: c.195A>G on transcript NM_000883.4 (MANE Select); coding-DNA position 195, A replaced by G.
Protein change: p.Leu65=; no amino-acid change (leucine 65 retained).
Molecular consequence: synonymous variant. On other transcripts: intron variant (2).
Genome position (GRCh38, 1-based): chr7:128,409,348, T>C on the plus strand (A>G on the coding strand, the complement: IMPDH1 is on the minus strand). VCF-style: chr7-128409348-T-C. GRCh37 (hg19) VCF-style: chr7-128049402-T-C.
Other names: c.165A>G, p.Leu55= (NM_001102605.2); c.195A>G, p.Leu65= (NM_001142576.2); c.146+408A>G (NM_001304521.2, NM_183243.3).
Identifiers: ClinVar variation 785901 (VCV000785901.13), dbSNP rs753636717, ClinGen allele CA4471240.
Genomic context (GRCh38, chr7:128,409,348, plus strand): 5'-CCTAGCCCTGCGAAGGCGATCCATCTGGACACCAACACCTGCCAGTAAGACCACTGAAGA[T>C]AGTTCTAGGAGGAAACAGCTAAGGAGGGGTAAGCCAAGTCAGTCGGACAGGACTCCAGCA-3'
Protein context (NP_000874.2, residues 55-75): ATHPTTPRSE[Leu65=]SSVVLLAGVG

ClinVar aggregate classification (germline): Benign/Likely benign. Review status: criteria provided, multiple submitters, no conflicts (2 of 4 stars). 4 submissions from 4 submitters: Benign (1); Likely benign (3). Last evaluated 2026-08-28.

Conditions:
Retinal dystrophy. Also called: Inherited retinal dystrophy. Identifiers: Orphanet 71862, MedGen C0854723, MeSH D058499, MONDO:0019118, HP:0000556.
IMPDH1-related disorder. Also called: IMPDH1-related condition; IMPDH1-related disorders.

Allele frequency attached by ClinVar (database versions not stated): gnomAD 0.00002; TOPMed 0.00004; ExAC 0.00007; gnomAD exomes 0.00007.
gnomAD v4.1: 96 of 1,614,002 alleles (0.0059%); highest among the groups gnomAD compares: East Asian, 0.2%; no homozygotes.

Submissions (4):

PreventionGenetics, part of Exact Sciences
Classification: Likely benign for IMPDH1-related condition. Last evaluated: 2026-08-28. Review status: criteria provided, single submitter. Criteria: ACMG Guidelines, 2015. Collection method: clinical testing. Allele origin: germline.
Comment: This variant is classified as likely benign based on ACMG/AMP sequence variant interpretation guidelines (Richards et al. 2015 PMID: 25741868, with internal and published modifications).

Labcorp Genetics (formerly Invitae), Labcorp
Classification: Likely benign. Last evaluated: 2024-01-25. Review status: criteria provided, single submitter. Criteria: Invitae Variant Classification Sherloc (09022015). Collection method: clinical testing. Allele origin: germline.

Dept Of Ophthalmology, Nagoya University
Classification: Benign for Retinal dystrophy. Last evaluated: 2023-10-01. Review status: criteria provided, single submitter. Criteria: Submitter's publication. Collection method: research. Allele origin: germline. Affected: yes.

Blueprint Genetics
Classification: Likely benign. Last evaluated: 2023-06-19. Review status: criteria provided, single submitter. Criteria: ACMG Guidelines, 2015. Collection method: clinical testing. Allele origin: germline.